The following is an entry in ClinVar:

NM_001042492.3(NF1):c.4543C>T (p.Gln1515Ter)

Gene: NF1 (neurofibromin 1; plus strand). Cytogenetic location: 17q11.2.
Variant type: single nucleotide variant.
Coding change: c.4543C>T on transcript NM_001042492.3 (MANE Select); coding-DNA position 4543, C replaced by T.
Protein change: p.Gln1515Ter; replaces glutamine 1515 with a stop codon.
Molecular consequence: nonsense.
Genome position (GRCh38, 1-based): chr17:31,260,481, C>T. VCF-style: chr17-31260481-C-T. GRCh37 (hg19) VCF-style: chr17-29587499-C-T.
Other names: c.4480C>T, p.Gln1494Ter (NM_000267.4); short protein forms Q1494*, Q1515*.
Identifiers: ClinVar variation 570950 (VCV000570950.10), dbSNP rs1567862991, ClinGen allele CA398999784.

ClinVar aggregate classification (germline): Pathogenic. Review status: criteria provided, multiple submitters, no conflicts (2 of 4 stars). 5 submissions from 5 submitters: Pathogenic (5). Last evaluated 2025-10-22.

Conditions:
Café-au-lait macules with pulmonary stenosis (WTSN). Also called: PULMONIC STENOSIS WITH CAFE-AU-LAIT SPOTS. Identifiers: MedGen C0553586, MONDO:0008672, OMIM 193520.
Neurofibromatosis, familial spinal (FSNF). Identifiers: Orphanet 636, MedGen C1834235, MONDO:0008078, OMIM 162210. Disease mechanism: loss of function.
Juvenile myelomonocytic leukemia (JMML). Also called: LEUKEMIA, JUVENILE MYELOMONOCYTIC, SOMATIC. Identifiers: Orphanet 86834, MedGen C0349639, MONDO:0011908, OMIM 607785, HP:0012209.
Neurofibromatosis-Noonan syndrome (NFNS). Also called: NEUROFIBROMATOSIS WITH NOONAN PHENOTYPE. Identifiers: Orphanet 638, MedGen C2931482, MONDO:0011035, OMIM 601321. Disease mechanism: loss of function.
Neurofibromatosis, type 1 (NF1). Also called: Peripheral type neurofibromatosis; VON RECKLINGHAUSEN DISEASE; Neurofibromatosis, type I; NEUROFIBROMATOSIS, TYPE I, SOMATIC. Identifiers: Orphanet 636, MedGen C0027831, MONDO:0018975, OMIM 162200. Disease mechanism: loss of function.
Cardiovascular phenotype. Identifiers: MedGen CN230736.
Hereditary cancer-predisposing syndrome. Also called: Hereditary neoplastic syndrome; Neoplastic Syndromes, Hereditary; Hereditary Cancer Syndrome; Tumor predisposition. Identifiers: Orphanet 140162, MedGen C0027672, MeSH D009386, MONDO:0015356.

Submissions (5):

Ambry Genetics
Classification: Pathogenic for Cardiovascular phenotype; Hereditary cancer-predisposing syndrome. Last evaluated: 2025-10-22. Review status: criteria provided, single submitter. Criteria: Ambry Variant Classification Scheme 2023. Collection method: clinical testing. Allele origin: germline.
Comment: The p.Q1494* pathogenic mutation (also known as c.4480C>T), located in coding exon 33 of the NF1 gene, results from a C to T substitution at nucleotide position 4480. This changes the amino acid from a glutamine to a stop codon within coding exon 33. This variant was reported in individual(s) with features consistent with neurofibromatosis type 1 (Paterra R et al. Cancers (Basel). 2022 Dec;15; Ambry internal data). This variant is considered to be rare based on population cohorts in the Genome Aggregation Database (gnomAD). This alteration is expected to result in loss of function by premature protein truncation or nonsense-mediated mRNA decay. As such, this alteration is interpreted as a disease-causing mutation.

Labcorp Genetics (formerly Invitae), Labcorp
Classification: Pathogenic for Neurofibromatosis, type 1. Last evaluated: 2025-03-12. Review status: criteria provided, single submitter. Criteria: Invitae Variant Classification Sherloc (09022015). Collection method: clinical testing. Allele origin: germline.
Comment: This sequence change creates a premature translational stop signal (p.Gln1494*) in the NF1 gene. It is expected to result in an absent or disrupted protein product. Loss-of-function variants in NF1 are known to be pathogenic (PMID: 10712197, 23913538). This variant is not present in population databases (gnomAD no frequency). This variant has not been reported in the literature in individuals affected with NF1-related conditions. ClinVar contains an entry for this variant (Variation ID: 570950). For these reasons, this variant has been classified as Pathogenic.

Genome-Nilou Lab
Classification: Pathogenic for Neurofibromatosis, type 1. Last evaluated: 2022-03-15. Review status: criteria provided, single submitter. Criteria: ACMG Guidelines, 2015. Collection method: clinical testing. Allele origin: germline. Affected: no.

Fulgent Genetics
Classification: Pathogenic for Neurofibromatosis, type 1; Neurofibromatosis, familial spinal; Café-au-lait macules with pulmonary stenosis; Neurofibromatosis-Noonan syndrome; Juvenile myelomonocytic leukemia. Last evaluated: 2018-10-31. Review status: criteria provided, single submitter. Criteria: ACMG Guidelines, 2015. Collection method: clinical testing. Allele origin: unknown.

Juno Genomics, Hangzhou Juno Genomics, Inc
Classification: Pathogenic for Neurofibromatosis, type 1. Review status: criteria provided, single submitter. Criteria: ACMG Guidelines, 2015. Collection method: clinical testing. Allele origin: germline. Affected: yes.
Comment: Absent from controls (or at extremely low frequency if recessive) in Genome Aggregation Database, Exome Sequencing Project, 1000 Genomes Project, or Exome Aggregation Consortium.;Null variant in a gene where loss of function (LOF) is a known mechanism of disease.;The prevalence of the variant in affected individuals is significantly increased compared to the prevalence in controls.;Patient's phenotype or family history is highly specific for a disease with a single genetic etiology.

Literature cited by the submitters: PubMed 36612057 (cited by Ambry Genetics); PubMed 10712197 (cited by Labcorp Genetics (formerly Invitae), Labcorp); PubMed 23913538 (cited by Labcorp Genetics (formerly Invitae), Labcorp).